The following is an entry in ClinVar:

NM_000051.4(ATM):c.4335T>C (p.Phe1445=)

Gene: ATM (ATM serine/threonine kinase; plus strand). Cytogenetic location: 11q22.3.
Variant type: single nucleotide variant.
Coding change: c.4335T>C on transcript NM_000051.4 (MANE Select); coding-DNA position 4335, T replaced by C.
Protein change: p.Phe1445=; no amino-acid change (phenylalanine 1445 retained).
Molecular consequence: synonymous variant.
Genome position (GRCh38, 1-based): chr11:108,289,700, T>C. VCF-style: chr11-108289700-T-C. GRCh37 (hg19) VCF-style: chr11-108160427-T-C.
Other names: c.4335T>C, p.Phe1445= (NM_001351834.2).
Identifiers: ClinVar variation 414561 (VCV000414561.13), dbSNP rs761225071, ClinGen allele CA16613420.
Genomic context (GRCh38, chr11:108,289,700, plus strand): 5'-AGCAGCTGAAACAAATAATGTTTATAAGAAGCACAGAATTCTTAAAATATATCACCTGTT[T>C]GTTAGTTTATTACTGAAAGATATAAAAAGTGGCTTAGGAGGAGCTTGGGCCTTTGTTCTT-3'
Protein context (NP_000042.3, residues 1435-1455): KHRILKIYHL[Phe1445=]VSLLLKDIKS

ClinVar aggregate classification (germline): Benign/Likely benign. Review status: criteria provided, multiple submitters, no conflicts (2 of 4 stars). 4 submissions from 4 submitters: Benign (1); Likely benign (3). Last evaluated 2025-04-20.

Conditions:
Hereditary cancer-predisposing syndrome. Also called: Tumor predisposition; Neoplastic Syndromes, Hereditary; Hereditary Cancer Syndrome; Hereditary neoplastic syndrome. Identifiers: Orphanet 140162, MedGen C0027672, MeSH D009386, MONDO:0015356.
Familial cancer of breast. Also called: Hereditary breast cancer; BREAST CANCER, FAMILIAL; hereditary breast carcinoma. Identifiers: Orphanet 227535, MedGen C0346153, MONDO:0016419, OMIM 114480. Disease mechanism: loss of function.
Ataxia-telangiectasia syndrome (AT). Also called: Ataxia-telangiectasia; Cerebello-oculocutaneous telangiectasia; Immunodeficiency with ataxia telangiectasia; ATAXIA-TELANGIECTASIA, COMPLEMENTATION GROUP A; ATAXIA-TELANGIECTASIA, FRESNO VARIANT; Ataxia-telangiectasia, complementation group D. Identifiers: Orphanet 100, MedGen C0004135, MONDO:0008840, OMIM 208900.

Submissions (4):

Labcorp Genetics (formerly Invitae), Labcorp
Classification: Likely benign for Ataxia-telangiectasia syndrome. Last evaluated: 2025-04-20. Review status: criteria provided, single submitter. Criteria: Invitae Variant Classification Sherloc (09022015). Collection method: clinical testing. Allele origin: germline.

Myriad Genetics, Inc.
Classification: Benign for Familial cancer of breast. Last evaluated: 2024-05-17. Review status: criteria provided, single submitter. Criteria: Myriad Autosomal Dominant, Autosomal Recessive and X-Linked Classification Criteria (2023). Collection method: clinical testing. Allele origin: unknown.
Comment: This variant is considered benign. This variant is a silent/synonymous amino acid change and it is not expected to impact splicing.

Color Diagnostics, LLC DBA Color Health
Classification: Likely benign for Hereditary cancer-predisposing syndrome. Last evaluated: 2021-09-15. Review status: criteria provided, single submitter. Criteria: ACMG Guidelines, 2015. Collection method: clinical testing. Allele origin: germline.

Ambry Genetics
Classification: Likely benign for Hereditary cancer-predisposing syndrome. Last evaluated: 2019-06-29. Review status: criteria provided, single submitter. Criteria: Ambry Variant Classification Scheme 2023. Collection method: clinical testing. Allele origin: germline.